The following is an entry in ClinVar:

NM_006206.6(PDGFRA):c.726G>A (p.Val242=)

Gene: PDGFRA (platelet derived growth factor receptor alpha; plus strand). Cytogenetic location: 4q12.
Variant type: single nucleotide variant.
Coding change: c.726G>A on transcript NM_006206.6 (MANE Select); coding-DNA position 726, G replaced by A.
Protein change: p.Val242=; no amino-acid change (valine 242 retained).
Molecular consequence: synonymous variant.
Genome position (GRCh38, 1-based): chr4:54,265,016, G>A. VCF-style: chr4-54265016-G-A. GRCh37 (hg19) VCF-style: chr4-55131183-G-A.
Other names: c.726G>A, p.Val242= (NM_001347827.2, NM_001347829.2); c.801G>A, p.Val267= (NM_001347828.2); c.765G>A, p.Val255= (NM_001347830.2).
Identifiers: ClinVar variation 459120 (VCV000459120.12), dbSNP rs1553902951, ClinGen allele CA439285927.

ClinVar aggregate classification (germline): Conflicting classifications of pathogenicity. Review status: criteria provided, conflicting classifications (1 of 4 stars). 2 submissions from 2 submitters: Uncertain significance (1); Likely benign (1). Last evaluated 2025-06-27.

Conditions:
Hereditary cancer-predisposing syndrome. Also called: Tumor predisposition; Hereditary neoplastic syndrome; Neoplastic Syndromes, Hereditary; Hereditary Cancer Syndrome. Identifiers: Orphanet 140162, MedGen C0027672, MeSH D009386, MONDO:0015356.
Gastrointestinal stromal tumor. Also called: Gastrointestinal stroma tumor; Gastrointestinal stromal tumor, somatic. Identifiers: Orphanet 44890, MedGen C0238198, MeSH D046152, MONDO:0011719, OMIM 606764, HP:0100723.

Submissions (2):

Ambry Genetics
Classification: Uncertain significance for Hereditary cancer-predisposing syndrome. Last evaluated: 2025-06-27. Review status: criteria provided, single submitter. Criteria: Ambry Variant Classification Scheme 2023. Collection method: clinical testing. Allele origin: germline.
Comment: The c.726G>A variant (also known as p.V242V), located in coding exon 4 of the PDGFRA gene, results from a G to A substitution at nucleotide position 726. This nucleotide substitution does not change the valine at codon 242. This nucleotide position is not well conserved in available vertebrate species. In silico splice site analysis predicts that this alteration may weaken the native splice donor site. Based on the available evidence, the clinical significance of this variant remains unclear.

Labcorp Genetics (formerly Invitae), Labcorp
Classification: Likely benign for Gastrointestinal stromal tumor. Last evaluated: 2022-09-28. Review status: criteria provided, single submitter. Criteria: Invitae Variant Classification Sherloc (09022015). Collection method: clinical testing. Allele origin: germline.